The following is an entry in ClinVar:

NM_014140.4(SMARCAL1):c.193G>A (p.Val65Met)

Gene: SMARCAL1 (SNF2 related chromatin remodeling annealing helicase 1; plus strand). Cytogenetic location: 2q35.
Variant type: single nucleotide variant.
Coding change: c.193G>A on transcript NM_014140.4 (MANE Select); coding-DNA position 193, G replaced by A.
Protein change: p.Val65Met; replaces valine 65 with methionine.
Molecular consequence: missense variant.
Genome position (GRCh38, 1-based): chr2:216,414,897, G>A. VCF-style: chr2-216414897-G-A. GRCh37 (hg19) VCF-style: chr2-217279620-G-A.
Other names: c.193G>A, p.Val65Met (NM_001127207.2); short protein forms V65M.
Identifiers: ClinVar variation 1402912 (VCV001402912.6), dbSNP rs759402336, ClinGen allele CA2097569.

ClinVar aggregate classification (germline): Uncertain significance. Review status: criteria provided, multiple submitters, no conflicts (2 of 4 stars). 2 submissions from 2 submitters: Uncertain significance (2). Last evaluated 2022-06-27.

Conditions:
Schimke immuno-osseous dysplasia (SIOD). Also called: Schimke Immunoosseous Dysplasia. Identifiers: Orphanet 1830, MedGen C0877024, MONDO:0009458, OMIM 242900.

Allele frequency attached by ClinVar (database versions not stated): gnomAD exomes 0.00001 and 0.00002; ExAC 0.00002; TOPMed 0.00002.
gnomAD v4.1: 5 of 1,614,244 alleles (0.00031%); highest among the groups gnomAD compares: Admixed American, 0.0083%; no homozygotes.

Submissions (2):

Labcorp Genetics (formerly Invitae), Labcorp
Classification: Uncertain significance for Schimke immuno-osseous dysplasia. Last evaluated: 2022-06-27. Review status: criteria provided, single submitter. Criteria: Invitae Variant Classification Sherloc (09022015). Collection method: clinical testing. Allele origin: germline.
Comment: This sequence change replaces valine, which is neutral and non-polar, with methionine, which is neutral and non-polar, at codon 65 of the SMARCAL1 protein (p.Val65Met). This variant is present in population databases (rs759402336, gnomAD 0.01%). This variant has not been reported in the literature in individuals affected with SMARCAL1-related conditions. Algorithms developed to predict the effect of missense changes on protein structure and function (SIFT, PolyPhen-2, Align-GVGD) all suggest that this variant is likely to be tolerated. Algorithms developed to predict the effect of sequence changes on RNA splicing suggest that this variant may create or strengthen a splice site. In summary, the available evidence is currently insufficient to determine the role of this variant in disease. Therefore, it has been classified as a Variant of Uncertain Significance.

Fulgent Genetics
Classification: Uncertain significance for Schimke immuno-osseous dysplasia. Last evaluated: 2022-04-18. Review status: criteria provided, single submitter. Criteria: ACMG Guidelines, 2015. Collection method: clinical testing. Allele origin: unknown.